The following is an entry in ClinVar:

ClinVar aggregate classification (germline): Pathogenic (1 of 4 stars; one submission).

Conditions:
Lysosomal acid lipase deficiency. Also called: Acid cholesteryl ester hydrolase deficiency, type 2. Identifiers: Orphanet 275761, MedGen C5574740, MONDO:0800449, MONDO:0010204.

Submission:

Myriad Genetics, Inc.
Classification: Pathogenic for Lysosomal acid lipase deficiency. Last evaluated: 2025-12-26. Review status: criteria provided, single submitter. Criteria: Myriad Autosomal Dominant, Autosomal Recessive and X-Linked Classification Criteria (2023). Collection method: clinical testing. Allele origin: unknown.
Comment: NM_000235.2(LIPA):c.153C>A(Y51*) is expected to be pathogenic in the context of lysosomal acid lipase deficiency. This variant is predicted to lead to an abnormal or absent protein product due to the creation of a premature termination codon in LIPA, a gene where loss-of-function variants are known to be pathogenic. Please note: this variant was assessed in the context of healthy population screening.

NM_000235.4(LIPA):c.153C>A (p.Tyr51Ter)

Gene: LIPA (lipase A, lysosomal acid type; minus strand). Cytogenetic location: 10q23.31.
Variant type: single nucleotide variant.
Coding change: c.153C>A on transcript NM_000235.4 (MANE Select); coding-DNA position 153, C replaced by A.
Protein change: p.Tyr51Ter; replaces tyrosine 51 with a stop codon.
Molecular consequence: nonsense. On other transcripts: intron variant (2).
Genome position (GRCh38, 1-based): chr10:89,245,752, G>T on the plus strand (C>A on the coding strand, the complement: LIPA is on the minus strand). VCF-style: chr10-89245752-G-T. GRCh37 (hg19) VCF-style: chr10-91005509-G-T.
Other names: c.153C>A, p.Tyr51Ter (NM_001127605.3, NM_001440818.1, NM_001440819.1 and 17 more transcripts); c.285C>A, p.Tyr95Ter (NM_001440836.1); c.168C>A, p.Tyr56Ter (NM_001440838.1); c.62-17354C>A (NM_001440839.1); c.-120+5985C>A (NM_001288979.2); short protein forms Y51*, Y56*, Y95*.
Identifiers: ClinVar variation 5014720 (VCV005014720.1).
Genomic context (GRCh38, chr10:89,245,752, plus strand): 5'-CTTCCTCCCATGAGGAATTCGGTTAAGGCACAGAATATATCCATCTTCTGTCTCAACTAG[G>T]TATTCCTCACTAGGGAATCCCCAGTAAGAGATAATTTCACTCTGTAGAGAAAAAGGACGA-3'